The following is an entry in ClinVar:

ClinVar aggregate classification (germline): Likely pathogenic. Review status: criteria provided, multiple submitters, no conflicts (2 of 4 stars). 5 submissions from 5 submitters: Likely pathogenic (3). 2 of the submissions do not count toward it. Last evaluated 2025-09-02.

Conditions:
Neuronal ceroid lipofuscinosis. Also called: Neuronal Ceroid Lipofuscinoses. Identifiers: Orphanet 216, Orphanet 79263, MedGen C0027877, MONDO:0016295. Disease mechanism: loss of function.
Neuronal ceroid lipofuscinosis 1 (CLN1). Also called: CEROID LIPOFUSCINOSIS, NEURONAL, 1, VARIABLE AGE AT ONSET; PPT1-Related Neuronal Ceroid-Lipofuscinosis. Identifiers: Orphanet 228329, MedGen C1850451, MONDO:0009744, OMIM 256730.

Allele frequency attached by ClinVar (database versions not stated): gnomAD exomes 0.00001.
gnomAD v4.1: 9 of 1,604,238 alleles (0.00056%); highest among the groups gnomAD compares: Non-Finnish European, 0.00077%; no homozygotes.

Submissions (5):

Labcorp Genetics (formerly Invitae), Labcorp
Classification: Likely pathogenic for Neuronal ceroid lipofuscinosis 1. Last evaluated: 2025-09-02. Review status: criteria provided, single submitter. Criteria: Invitae Variant Classification Sherloc (09022015). Collection method: clinical testing. Allele origin: germline.
Comment: This sequence change replaces glycine, which is neutral and non-polar, with glutamic acid, which is acidic and polar, at codon 42 of the PPT1 protein (p.Gly42Glu). This variant is not present in population databases (gnomAD no frequency). This missense change has been observed in individual(s) with neuronal ceroid lipofuscinosis (PMID: 9664077, 10191107). It has also been observed to segregate with disease in related individuals. ClinVar contains an entry for this variant (Variation ID: 56179). An algorithm developed to predict the effect of missense changes on protein structure and function (PolyPhen-2) suggests that this variant is likely to be disruptive. Experimental studies have shown that this missense change affects PPT1 function (PMID: 11440996). Algorithms developed to predict the effect of sequence changes on RNA splicing suggest that this variant may create or strengthen a splice site. In summary, the currently available evidence indicates that the variant is pathogenic, but additional data are needed to prove that conclusively. Therefore, this variant has been classified as Likely Pathogenic.

Baylor Genetics
Classification: Likely pathogenic for Neuronal ceroid lipofuscinosis 1. Last evaluated: 2023-07-26. Review status: criteria provided, single submitter. Criteria: ACMG Guidelines, 2015. Collection method: clinical testing. Allele origin: unknown.

Women's Health and Genetics/Laboratory Corporation of America, LabCorp
Classification: Likely pathogenic for Neuronal ceroid lipofuscinosis. Last evaluated: 2023-06-13. Review status: criteria provided, single submitter. Criteria: LabCorp Variant Classification Summary - May 2015. Collection method: clinical testing. Allele origin: germline.
Comment: Variant summary: PPT1 c.125G>A (p.Gly42Glu) results in a non-conservative amino acid change in the encoded protein sequence. Five of five in-silico tools predict a damaging effect of the variant on protein function. Several computational tools predict a significant impact on normal splicing: Two predict the variant abolishes a canonical 3' acceptor site and two predict the variant weakens the 3' acceptor site. However, these predictions have yet to be confirmed by functional studies. The variant was absent in 251424 control chromosomes (gnomAD). c.125G>A has been reported in the literature as a compound heterozygous genotype in two siblings affected with infantile onset Neuronal Ceroid-Lipofuscinosis (Batten Disease) (Das_1998, Hofmann_1999). These data indicate that the variant may be associated with disease. Additionally, a functional study found the variant showed no detectable instrinsic enzyme activity in vitro, with <2% activity of the WT protein (Das_2001). The following publications have been ascertained in the context of this evaluation (PMID: 11440996, 9664077, 10191107). One clinical diagnostic laboratory has submitted a clinical-significance assessment for this variant to ClinVar after 2014 and classified the variant as uncertain significance. Based on the evidence outlined above, the variant was classified as likely pathogenic.

Counsyl
Classification: Likely pathogenic for Ceroid lipofuscinosis neuronal 1. Last evaluated: 2014-08-28. Review status: no assertion criteria provided. Collection method: literature only. Allele origin: unknown. Inheritance: Autosomal recessive inheritance. Not counted in ClinVar's aggregate classification.

Juha Muilu Group; Institute for Molecular Medicine Finland (FIMM)
Classification: Likely pathogenic for Ceroid lipofuscinosis neuronal 1. Review status: no assertion criteria provided. Collection method: not provided. Allele origin: unknown. Not counted in ClinVar's aggregate classification.
Comment: FinDis database variant: This variant was not found or characterized by our laboratory, data were collected from public sources: see reference
ClinVar note: Converted during submission from probable-pathogenic to Likely pathogenic.

Literature cited by the submitters: PubMed 9664077 (cited by 3 submitters); PubMed 10191107 (cited by Labcorp Genetics (formerly Invitae), Labcorp and Women's Health and Genetics/Laboratory Corporation of America, LabCorp); PubMed 11440996 (cited by 3 submitters); PubMed 21990111 (cited by Counsyl); PubMed 19793631 (cited by Counsyl); PubMed 19440452 (cited by Counsyl); PubMed 21228398 (cited by Counsyl); PubMed 14997939 (cited by Counsyl); PubMed 11073228 (cited by Counsyl).

NM_000310.4(PPT1):c.125G>A (p.Gly42Glu)

Gene: PPT1 (palmitoyl-protein thioesterase 1; minus strand). Cytogenetic location: 1p34.2.
Variant type: single nucleotide variant.
Coding change: c.125G>A on transcript NM_000310.4 (MANE Select); coding-DNA position 125, G replaced by A.
Protein change: p.Gly42Glu; replaces glycine 42 with glutamic acid.
Molecular consequence: missense variant. On other transcripts: intron variant (1).
Genome position (GRCh38, 1-based): chr1:40,092,507, C>T on the plus strand (G>A on the coding strand, the complement: PPT1 is on the minus strand). VCF-style: chr1-40092507-C-T. GRCh37 (hg19) VCF-style: chr1-40558179-C-T.
Other names: c.125G>A, p.Gly42Glu (NM_001363695.2); c.125-2995G>A (NM_001142604.2); short protein forms G42E.
Identifiers: ClinVar variation 56179 (VCV000056179.8), dbSNP rs386833631, ClinGen allele CA263473.